The following is an entry in ClinVar:

ClinVar aggregate classification (germline): Uncertain significance (1 of 4 stars; one submission).

Submission:

Labcorp Genetics (formerly Invitae), Labcorp
Classification: Uncertain significance. Last evaluated: 2023-07-07. Review status: criteria provided, single submitter. Criteria: Invitae Variant Classification Sherloc (09022015). Collection method: clinical testing. Allele origin: germline.
Comment: In summary, the available evidence is currently insufficient to determine the role of this variant in disease. Therefore, it has been classified as a Variant of Uncertain Significance. An algorithm developed to predict the effect of missense changes on protein structure and function (PolyPhen-2) suggests that this variant is likely to be tolerated. This variant has not been reported in the literature in individuals affected with IL6ST-related conditions. This variant is not present in population databases (gnomAD no frequency). This sequence change replaces lysine, which is basic and polar, with threonine, which is neutral and polar, at codon 328 of the IL6ST protein (p.Lys328Thr).

NM_002184.4(IL6ST):c.983A>C (p.Lys328Thr)

Gene: IL6ST (interleukin 6 cytokine family signal transducer; minus strand). Cytogenetic location: 5q11.2.
Variant type: single nucleotide variant.
Coding change: c.983A>C on transcript NM_002184.4 (MANE Select); coding-DNA position 983, A replaced by C.
Protein change: p.Lys328Thr; replaces lysine 328 with threonine.
Molecular consequence: missense variant. On other transcripts: non-coding transcript variant (2), intron variant (2).
Genome position (GRCh38, 1-based): chr5:55,957,282, T>G on the plus strand (A>C on the coding strand, the complement: IL6ST is on the minus strand). VCF-style: chr5-55957282-T-G. GRCh37 (hg19) VCF-style: chr5-55253110-T-G.
Other names: c.773A>C, p.Lys258Thr (NM_001364276.2); c.116A>C, p.Lys39Thr (NM_001364277.2); c.80A>C, p.Lys27Thr (NM_001364278.2); c.61-1047A>C (NM_001364279.2); c.974-1047A>C (NM_175767.3); c.983A>C, p.Lys328Thr (NM_001190981.2, NM_001364275.2); short protein forms K328T, K258T, K27T, K39T.
Identifiers: ClinVar variation 2873838 (VCV002873838.3), dbSNP rs2533511275, ClinGen allele CA359764789.